The following is an entry in ClinVar:

ClinVar aggregate classification (germline): Uncertain significance (1 of 4 stars; one submission).

Conditions:
Early-infantile DEE. Also called: Early infantile epileptic encephalopathy with suppression bursts; Early infantile epileptic encephalopathy; Ohtahara syndrome. Identifiers: Orphanet 1934, MedGen C0393706, MONDO:0800491.

Submission:

Labcorp Genetics (formerly Invitae), Labcorp
Classification: Uncertain significance for Early-infantile DEE. Last evaluated: 2021-06-23. Review status: criteria provided, single submitter. Criteria: Invitae Variant Classification Sherloc (09022015). Collection method: clinical testing. Allele origin: germline.
Comment: In summary, the available evidence is currently insufficient to determine the role of this variant in disease. Therefore, it has been classified as a Variant of Uncertain Significance. This sequence change replaces threonine with lysine at codon 193 of the SLC25A22 protein (p.Thr193Lys). The threonine residue is highly conserved and there is a moderate physicochemical difference between threonine and lysine. This variant is not present in population databases (ExAC no frequency). This variant has not been reported in the literature in individuals with SLC25A22-related conditions. Algorithms developed to predict the effect of missense changes on protein structure and function are either unavailable or do not agree on the potential impact of this missense change (SIFT: "Deleterious"; PolyPhen-2: "Probably Damaging"; Align-GVGD: "Class C0").

NM_001191061.2(SLC25A22):c.578C>A (p.Thr193Lys)

Gene: SLC25A22 (solute carrier family 25 member 22; minus strand). Cytogenetic location: 11p15.5.
Variant type: single nucleotide variant.
Coding change: c.578C>A on transcript NM_001191061.2 (MANE Select); coding-DNA position 578, C replaced by A.
Protein change: p.Thr193Lys; replaces threonine 193 with lysine.
Molecular consequence: missense variant.
Genome position (GRCh38, 1-based): chr11:792,562, G>T on the plus strand (C>A on the coding strand, the complement: SLC25A22 is on the minus strand). VCF-style: chr11-792562-G-T. GRCh37 (hg19) VCF-style: chr11-792562-G-T.
Other names: c.578C>A, p.Thr193Lys (NM_001191060.2, NM_024698.6); short protein forms T193K.
Identifiers: ClinVar variation 1365768 (VCV001365768.9), dbSNP rs770357560, ClinGen allele CA378969401.
Genomic context (GRCh38, chr11:792,562, plus strand): 5'-GGGCAGGCCGGCCTCCCCCTTCCCTCCCCCCACCTGCCCTGTGCCTCCTACCTGAGCAGC[G>T]TGGCCCCGAGTCCCTTGTAGAGACCGGCAATGCCACGGCTCCGCAGCAGGTCGCGGGTCA-3'
Protein context (NP_001177990.1, residues 183-203): IAGLYKGLGA[Thr193Lys]LLRDVPFSVV